The following is an entry in ClinVar:

NM_001148.6(ANK2):c.9136A>T (p.Ser3046Cys)

Gene: ANK2 (ankyrin 2; plus strand). Cytogenetic location: 4q26.
Variant type: single nucleotide variant.
Coding change: c.9136A>T on transcript NM_001148.6 (MANE Select); coding-DNA position 9136, A replaced by T.
Protein change: p.Ser3046Cys; replaces serine 3046 with cysteine.
Molecular consequence: missense variant. On other transcripts: intron variant (68).
Genome position (GRCh38, 1-based): chr4:113,357,754, A>T. VCF-style: chr4-113357754-A-T. GRCh37 (hg19) VCF-style: chr4-114278910-A-T.
Other names: c.8902A>T, p.Ser2968Cys (NM_001386142.1); c.5536A>T, p.Ser1846Cys (NM_001386166.1); c.9277A>T, p.Ser3093Cys (NM_001386174.1); c.9253A>T, p.Ser3085Cys (NM_001386175.1); c.4412-3069A>T (NM_001386186.2, NM_001386148.2); c.4214-3069A>T (NM_001354269.3); c.4292-3069A>T (NM_001386187.2); c.4253-3069A>T (NM_001386147.1); and 35 more; short protein forms S3046C, S1846C, S2968C, S3085C, S3093C.
Identifiers: ClinVar variation 526928 (VCV000526928.3), dbSNP rs1554567603, ClinGen allele CA357936670.

ClinVar aggregate classification (germline): Uncertain significance. Review status: criteria provided, multiple submitters, no conflicts (2 of 4 stars). 2 submissions from 2 submitters: Uncertain significance (2). Last evaluated 2022-10-07.

Conditions:
Cardiovascular phenotype. Identifiers: MedGen CN230736.
Long QT syndrome (LQTS). Identifiers: MedGen C0023976, MeSH D008133, MONDO:0002442. Disease mechanism: loss of function. Inheritance: Various modes of inheritance.

Allele frequency attached by ClinVar (database versions not stated): gnomAD 0.00001 and 0.00002.
gnomAD v4.1: 2 of 1,613,974 alleles (0.00012%); highest among the groups gnomAD compares: African/African-American, 0.0027%; no homozygotes.

Submissions (2):

Ambry Genetics
Classification: Uncertain significance for Cardiovascular phenotype. Last evaluated: 2022-10-07. Review status: criteria provided, single submitter. Criteria: Ambry Variant Classification Scheme 2023. Collection method: clinical testing. Allele origin: germline.
Comment: The p.S3046C variant (also known as c.9136A>T), located in coding exon 38 of the ANK2 gene, results from an A to T substitution at nucleotide position 9136. The serine at codon 3046 is replaced by cysteine, an amino acid with dissimilar properties. This amino acid position is conserved. In addition, this alteration is predicted to be deleterious by in silico analysis. Since supporting evidence is limited at this time, the clinical significance of this alteration remains unclear.

Labcorp Genetics (formerly Invitae), Labcorp
Classification: Uncertain significance for Long QT syndrome. Last evaluated: 2017-12-22. Review status: criteria provided, single submitter. Criteria: Invitae Variant Classification Sherloc (09022015). Collection method: clinical testing. Allele origin: germline.
Comment: This sequence change replaces serine with cysteine at codon 3046 of the ANK2 protein (p.Ser3046Cys). The serine residue is moderately conserved and there is a moderate physicochemical difference between serine and cysteine. This variant is not present in population databases (ExAC no frequency). This variant has not been reported in the literature in individuals with ANK2-related disease. Algorithms developed to predict the effect of missense changes on protein structure and function do not agree on the potential impact of this missense change (SIFT: "Deleterious"; PolyPhen-2: "Probably Damaging"; Align-GVGD: "Class C0"). Algorithms developed to predict the effect of sequence changes on RNA splicing suggest that this variant may create or strengthen a splice site, but this prediction has not been confirmed by published transcriptional studies. In summary, the available evidence is currently insufficient to determine the role of this variant in disease. Therefore, it has been classified as a Variant of Uncertain Significance.